The following is an entry in ClinVar:

ClinVar aggregate classification (germline): Uncertain significance (1 of 4 stars; one submission).

Allele frequency attached by ClinVar (database versions not stated): gnomAD exomes below 0.00001; TOPMed 0.00002; gnomAD 0.00004.

Submission:

Labcorp Genetics (formerly Invitae), Labcorp
Classification: Uncertain significance. Last evaluated: 2023-07-17. Review status: criteria provided, single submitter. Criteria: Invitae Variant Classification Sherloc (09022015). Collection method: clinical testing. Allele origin: germline.
Comment: This sequence change replaces phenylalanine, which is neutral and non-polar, with serine, which is neutral and polar, at codon 210 of the NEUROG3 protein (p.Phe210Ser). This variant is present in population databases (no rsID available, gnomAD 0.02%). This variant has not been reported in the literature in individuals affected with NEUROG3-related conditions. ClinVar contains an entry for this variant (Variation ID: 1523128). An algorithm developed to predict the effect of missense changes on protein structure and function (PolyPhen-2) suggests that this variant is likely to be disruptive. In summary, the available evidence is currently insufficient to determine the role of this variant in disease. Therefore, it has been classified as a Variant of Uncertain Significance.

NM_020999.4(NEUROG3):c.629T>C (p.Phe210Ser)

Gene: NEUROG3 (neurogenin 3; minus strand). Cytogenetic location: 10q22.1.
Variant type: single nucleotide variant.
Coding change: c.629T>C on transcript NM_020999.4 (MANE Select); coding-DNA position 629, T replaced by C.
Protein change: p.Phe210Ser; replaces phenylalanine 210 with serine.
Molecular consequence: missense variant.
Genome position (GRCh38, 1-based): chr10:69,572,415, A>G on the plus strand (T>C on the coding strand, the complement: NEUROG3 is on the minus strand). VCF-style: chr10-69572415-A-G. GRCh37 (hg19) VCF-style: chr10-71332171-A-G.
Other names: short protein forms F210S.
Identifiers: ClinVar variation 1523128 (VCV001523128.8), dbSNP rs901080074, ClinGen allele CA209280160.